The following is an entry in ClinVar:

ClinVar aggregate classification (germline): Conflicting classifications of pathogenicity. Review status: criteria provided, conflicting classifications (1 of 4 stars). 2 submissions from 2 submitters: Uncertain significance (1); Likely benign (1). Last evaluated 2025-10-02.

gnomAD v4.1: 17 of 1,579,142 alleles (0.0011%); highest among the groups gnomAD compares: Admixed American, 0.009%; no homozygotes.

Submissions (2):

Labcorp Genetics (formerly Invitae), Labcorp
Classification: Uncertain significance. Last evaluated: 2025-10-02. Review status: criteria provided, single submitter. Criteria: Invitae Variant Classification Sherloc (09022015). Collection method: clinical testing. Allele origin: germline.
Comment: This sequence change replaces arginine, which is basic and polar, with tryptophan, which is neutral and slightly polar, at codon 1486 of the ADGRB2 protein (p.Arg1486Trp). The frequency data for this variant in the population databases is considered unreliable, as metrics indicate poor data quality at this position in the gnomAD database. This variant has not been reported in the literature in individuals affected with ADGRB2-related conditions. ClinVar contains an entry for this variant (Variation ID: 3496674). An algorithm developed to predict the effect of missense changes on protein structure and function outputs the following: PolyPhen-2: "Not Available". The tryptophan amino acid residue is found in multiple mammalian species, which suggests that this missense change does not adversely affect protein function. In summary, the available evidence is currently insufficient to determine the role of this variant in disease. Therefore, it has been classified as a Variant of Uncertain Significance.

Ambry Genetics
Classification: Likely benign. Last evaluated: 2024-11-25. Review status: criteria provided, single submitter. Criteria: Ambry Variant Classification Scheme 2023. Collection method: clinical testing. Allele origin: germline.

NM_001364857.2(ADGRB2):c.4558C>T (p.Arg1520Trp)

Gene: ADGRB2 (adhesion G protein-coupled receptor B2; minus strand). Cytogenetic location: 1p35.2.
Variant type: single nucleotide variant.
Coding change: c.4558C>T on transcript NM_001364857.2 (MANE Select); coding-DNA position 4558, C replaced by T.
Protein change: p.Arg1520Trp; replaces arginine 1520 with tryptophan.
Molecular consequence: missense variant.
Genome position (GRCh38, 1-based): chr1:31,728,039, G>A on the plus strand (C>T on the coding strand, the complement: ADGRB2 is on the minus strand). VCF-style: chr1-31728039-G-A. GRCh37 (hg19) VCF-style: chr1-32193640-G-A.
Other names: c.4558C>T (NM_001703.2); c.4555C>T, p.Arg1519Trp (NM_001294335.2); c.4456C>T, p.Arg1486Trp (NM_001294336.2); short protein forms R1486W, R1520W, R1519W.
Identifiers: ClinVar variation 3496674 (VCV003496674.3).